The following is an entry in ClinVar:

ClinVar aggregate classification (germline): Uncertain significance (1 of 4 stars; one submission).

gnomAD v4.1: 35 of 1,613,542 alleles (0.0022%); highest among the groups gnomAD compares: Non-Finnish European, 0.002%; no homozygotes.

Submission:

Labcorp Genetics (formerly Invitae), Labcorp
Classification: Uncertain significance. Last evaluated: 2024-12-25. Review status: criteria provided, single submitter. Criteria: Invitae Variant Classification Sherloc (09022015). Collection method: clinical testing. Allele origin: germline.
Comment: This sequence change falls in intron 5 of the DNAJC17 gene. It does not directly change the encoded amino acid sequence of the DNAJC17 protein. This variant is present in population databases (rs749766305, gnomAD 0.009%). This variant has not been reported in the literature in individuals affected with DNAJC17-related conditions. Algorithms developed to predict the effect of sequence changes on RNA splicing suggest that this variant may disrupt the consensus splice site. In summary, the available evidence is currently insufficient to determine the role of this variant in disease. Therefore, it has been classified as a Variant of Uncertain Significance.

NM_018163.3(DNAJC17):c.382-7T>G

Gene: DNAJC17 (DnaJ heat shock protein family (Hsp40) member C17; minus strand). Cytogenetic location: 15q15.1.
Variant type: single nucleotide variant.
Coding change: c.382-7T>G on transcript NM_018163.3 (MANE Select); 7 bases into the intron before coding-DNA position 382, T replaced by G.
Molecular consequence: intron variant.
Genome position (GRCh38, 1-based): chr15:40,776,299, A>C on the plus strand (T>G on the coding strand, the complement: DNAJC17 is on the minus strand). VCF-style: chr15-40776299-A-C. GRCh37 (hg19) VCF-style: chr15-41068497-A-C.
Identifiers: ClinVar variation 3702447 (VCV003702447.2).